The following is an entry in ClinVar:

ClinVar aggregate classification (germline): Uncertain significance (1 of 4 stars; one submission).

Conditions:
Hereditary cancer-predisposing syndrome. Also called: Neoplastic Syndromes, Hereditary; Tumor predisposition; Hereditary Cancer Syndrome; Hereditary neoplastic syndrome. Identifiers: Orphanet 140162, MedGen C0027672, MeSH D009386, MONDO:0015356.

Submission:

Ambry Genetics
Classification: Uncertain significance for Hereditary cancer-predisposing syndrome. Last evaluated: 2024-09-16. Review status: criteria provided, single submitter. Criteria: Ambry Variant Classification Scheme 2023. Collection method: clinical testing. Allele origin: germline.
Comment: The p.E438D variant (also known as c.1314G>T), located in coding exon 13 of the POLE gene, results from a G to T substitution at nucleotide position 1314. The glutamic acid at codon 438 is replaced by aspartic acid, an amino acid with highly similar properties. This amino acid position is conserved. In addition, the in silico prediction for this alteration is inconclusive. Based on the available evidence, the clinical significance of this variant remains unclear.

NM_006231.4(POLE):c.1314G>T (p.Glu438Asp)

Gene: POLE (DNA polymerase epsilon, catalytic subunit; minus strand). Cytogenetic location: 12q24.33.
Variant type: single nucleotide variant.
Coding change: c.1314G>T on transcript NM_006231.4 (MANE Select); coding-DNA position 1314, G replaced by T.
Protein change: p.Glu438Asp; replaces glutamic acid 438 with aspartic acid.
Molecular consequence: missense variant.
Genome position (GRCh38, 1-based): chr12:132,673,620, C>A on the plus strand (G>T on the coding strand, the complement: POLE is on the minus strand). VCF-style: chr12-132673620-C-A. GRCh37 (hg19) VCF-style: chr12-133250206-C-A.
Other names: short protein forms E438D.
Identifiers: ClinVar variation 3422169 (VCV003422169.1).